The following is an entry in ClinVar:

NM_001170535.3(ATAD3A):c.571G>A (p.Ala191Thr)

Gene: ATAD3A (ATPase family AAA domain containing 3A; plus strand). Cytogenetic location: 1p36.33.
Variant type: single nucleotide variant.
Coding change: c.571G>A on transcript NM_001170535.3 (MANE Select); coding-DNA position 571, G replaced by A.
Protein change: p.Ala191Thr; replaces alanine 191 with threonine.
Molecular consequence: missense variant.
Genome position (GRCh38, 1-based): chr1:1,520,197, G>A. VCF-style: chr1-1520197-G-A. GRCh37 (hg19) VCF-style: chr1-1455577-G-A.
Other names: c.334G>A, p.Ala112Thr (NM_001170536.3); c.715G>A, p.Ala239Thr (NM_018188.5); short protein forms A191T, A112T, A239T.
Identifiers: ClinVar variation 806033 (VCV000806033.44), dbSNP rs2986576, ClinGen allele CA525849.
Genomic context (GRCh38, chr1:1,520,197, plus strand): 5'-GCAGCCACCGTGGAGCGGGAGATGGAGCTGCGGCACAAGAATGAGATGCTGCGAGTGGAG[G>A]CCGAGGCCCGGGCGCGCGCCAAGGCCGAGCGGGAGAATGCAGACATCATCCGCGAGCAGA-3'
Protein context (NP_001164006.1, residues 181-201): RHKNEMLRVE[Ala191Thr]EARARAKAER

ClinVar aggregate classification (germline): Conflicting classifications of pathogenicity. Review status: criteria provided, conflicting classifications (1 of 4 stars). 3 submissions from 3 submitters: Uncertain significance (1); Likely benign (2). Last evaluated 2024-11-25.

Allele frequency attached by ClinVar (database versions not stated): gnomAD exomes 0.00094 and 0.00102; 1000 Genomes Project 30x 0.00156; gnomAD 0.00206 and 0.00214; ExAC 0.00444.

Submissions (3):

Blueprint Genetics
Classification: Likely benign. Last evaluated: 2024-11-25. Review status: criteria provided, single submitter. Criteria: ACMG Guidelines, 2015. Collection method: clinical testing. Allele origin: germline.

CeGaT Center for Human Genetics Tuebingen
Classification: Likely benign. Last evaluated: 2024-09-01. Review status: criteria provided, single submitter. Criteria: CeGaT Center For Human Genetics Tuebingen Variant Classification Criteria Version 2. Collection method: clinical testing. Allele origin: germline. Affected: yes. Observed: 7 variant alleles.
Comment: ATAD3A: BS2

Breakthrough Genomics
Classification: Uncertain significance. Review status: criteria provided, single submitter. Criteria: ACMG Guidelines, 2015. Collection method: not provided. Allele origin: germline. Inheritance: Autosomal recessive inheritance. Affected: yes.